The following is an entry in ClinVar:

ClinVar aggregate classification (germline): Uncertain significance (1 of 4 stars; one submission).

Allele frequency attached by ClinVar (database versions not stated): gnomAD 0.00001.
gnomAD v4.1: 7 of 1,614,028 alleles (0.00043%); highest among the groups gnomAD compares: Admixed American, 0.0067%; no homozygotes.

Submission:

Labcorp Genetics (formerly Invitae), Labcorp
Classification: Uncertain significance. Last evaluated: 2024-01-29. Review status: criteria provided, single submitter. Criteria: Invitae Variant Classification Sherloc (09022015). Collection method: clinical testing. Allele origin: germline.
Comment: This sequence change replaces valine, which is neutral and non-polar, with isoleucine, which is neutral and non-polar, at codon 717 of the CDHR1 protein (p.Val717Ile). This variant is present in population databases (no rsID available, gnomAD 0.006%). This variant has not been reported in the literature in individuals affected with CDHR1-related conditions. ClinVar contains an entry for this variant (Variation ID: 864503). Advanced modeling of protein sequence and biophysical properties (such as structural, functional, and spatial information, amino acid conservation, physicochemical variation, residue mobility, and thermodynamic stability) performed at Invitae indicates that this missense variant is not expected to disrupt CDHR1 protein function with a negative predictive value of 80%. In summary, the available evidence is currently insufficient to determine the role of this variant in disease. Therefore, it has been classified as a Variant of Uncertain Significance.

NM_033100.4(CDHR1):c.2149G>A (p.Val717Ile)

Gene: CDHR1 (cadherin related family member 1; plus strand). Cytogenetic location: 10q23.1.
Variant type: single nucleotide variant.
Coding change: c.2149G>A on transcript NM_033100.4 (MANE Select); coding-DNA position 2149, G replaced by A.
Protein change: p.Val717Ile; replaces valine 717 with isoleucine.
Molecular consequence: missense variant. On other transcripts: intron variant (1).
Genome position (GRCh38, 1-based): chr10:84,214,190, G>A. VCF-style: chr10-84214190-G-A. GRCh37 (hg19) VCF-style: chr10-85973946-G-A.
Other names: c.2040+842G>A (NM_001171971.3); short protein forms V717I.
Identifiers: ClinVar variation 864503 (VCV000864503.7), dbSNP rs1202466043, ClinGen allele CA377379373.